The following is an entry in ClinVar:

ClinVar aggregate classification (germline): Conflicting classifications of pathogenicity. Review status: criteria provided, conflicting classifications (1 of 4 stars). 8 submissions from 8 submitters: Uncertain significance (6); Likely benign (2). Last evaluated 2026-08-04.

Conditions:
Joubert syndrome 6 (JBTS6). Identifiers: Orphanet 475, MedGen C1853153, MONDO:0012539, OMIM 610688.
RHYNS syndrome. Also called: RETINITIS PIGMENTOSA SYNDROME; RETINITIS PIGMENTOSA, HYPOPITUITARISM, NEPHRONOPHTHISIS, AND MILD SKELETAL DYSPLASIA. Identifiers: Orphanet 140976, MedGen C1865794, MONDO:0011202, OMIM 602152.
Meckel syndrome, type 3 (MKS3). Also called: MECKEL-GRUBER SYNDROME, TYPE 3. Identifiers: Orphanet 564, MedGen C1846357, MONDO:0011821, OMIM 607361.
COACH syndrome 1. Identifiers: Orphanet 1454, MedGen C5435651, MONDO:0800103, OMIM 216360, MONDO:0008996.
Nephronophthisis 11 (NPHP11). Identifiers: Orphanet 84081, MedGen C3150796, MONDO:0013302, OMIM 613550.
Bardet-Biedl syndrome 14 (BBS14). Identifiers: Orphanet 110, MedGen C2673874, MONDO:0014442, OMIM 615991.
TMEM67-related disorder. Also called: TMEM67-related disorders; TMEM67-related condition. Identifiers: MedGen CN239423.
Joubert syndrome. Also called: JOUBERT-BOLTSHAUSER SYNDROME; Familial aplasia of the vermis. Identifiers: Orphanet 475, MedGen C5979921, MONDO:0018772.
Meckel-Gruber syndrome. Also called: GRUBER SYNDROME; Dysencephalia splachnocystica; DYSENCEPHALIA SPLANCHNOCYSTICA. Identifiers: Orphanet 564, MedGen C0265215, MONDO:0018921.

Allele frequency attached by ClinVar (database versions not stated): gnomAD 0.00013 and 0.00016; ESP Exome Variant Server 0.00015; TOPMed 0.00017; 1000 Genomes Project 0.00020; ExAC 0.00021; gnomAD exomes 0.00021 and 0.00027; 1000 Genomes Project 30x 0.00031.

Submissions (8):

PreventionGenetics, part of Exact Sciences
Classification: Uncertain significance for TMEM67-related condition. Last evaluated: 2026-08-04. Review status: criteria provided, single submitter. Criteria: ACMG Guidelines, 2015. Collection method: clinical testing. Allele origin: germline.
Comment: The TMEM67 c.511G>A variant is predicted to result in the amino acid substitution p.Val171Ile. This variant has been reported in both affected and control individuals in a large study of focal segmental glomerulosclerosis (Table S4, Wang et al. 2019. PubMed ID: 31308072). This variant is reported in 0.14% of alleles in individuals of Ashkenazi Jewish descent in gnomAD, which may be too frequent to be a primary cause of disease. Although we suspect that this variant may be benign, at this time, the clinical significance of this variant is uncertain due to the absence of conclusive functional and genetic evidence.

Labcorp Genetics (formerly Invitae), Labcorp
Classification: Likely benign for Joubert syndrome; Meckel-Gruber syndrome. Last evaluated: 2026-01-26. Review status: criteria provided, single submitter. Criteria: Invitae Variant Classification Sherloc (09022015). Collection method: clinical testing. Allele origin: germline.

Blueprint Genetics
Classification: Likely benign. Last evaluated: 2024-11-27. Review status: criteria provided, single submitter. Criteria: ACMG Guidelines, 2015. Collection method: clinical testing. Allele origin: germline.

Fulgent Genetics
Classification: Uncertain significance for COACH syndrome 1; RHYNS syndrome; Meckel syndrome, type 3; Joubert syndrome 6; Nephronophthisis 11; Bardet-Biedl syndrome 14. Last evaluated: 2024-01-05. Review status: criteria provided, single submitter. Criteria: ACMG Guidelines, 2015. Collection method: clinical testing. Allele origin: germline.

GeneDx
Classification: Uncertain significance. Last evaluated: 2023-03-24. Review status: criteria provided, single submitter. Criteria: GeneDx Variant Classification Process June 2021. Collection method: clinical testing. Allele origin: germline. Affected: yes.
Comment: In silico analysis supports that this missense variant does not alter protein structure/function; Has not been previously published as pathogenic or benign to our knowledge

Department of Pathology and Laboratory Medicine, Sinai Health System
Classification: Uncertain significance for COACH syndrome 1; RHYNS syndrome; Meckel syndrome, type 3; Joubert syndrome 6; Nephronophthisis 11; Bardet-Biedl syndrome 14. Last evaluated: 2021-12-16. Review status: criteria provided, single submitter. Criteria: ACMG Guidelines, 2015. Collection method: research. Allele origin: germline.

New York Genome Center
Classification: Uncertain significance for Joubert syndrome 6. Last evaluated: 2020-06-26. Review status: criteria provided, single submitter. Criteria: NYGC Assertion Criteria 2020. Collection method: clinical testing. Allele origin: germline. Observed: 1 heterozygote. Study: CSER-NYCKidSeq.

CeGaT Center for Human Genetics Tuebingen
Classification: Uncertain significance. Last evaluated: 2017-05-01. Review status: criteria provided, single submitter. Criteria: CeGaT Center For Human Genetics Tuebingen Variant Classification Criteria Version 2. Collection method: clinical testing. Allele origin: germline. Affected: yes. Observed: 1 variant allele.

NM_153704.6(TMEM67):c.511G>A (p.Val171Ile)

Gene: TMEM67 (transmembrane protein 67; plus strand). Cytogenetic location: 8q22.1.
Variant type: single nucleotide variant.
Coding change: c.511G>A on transcript NM_153704.6 (MANE Select); coding-DNA position 511, G replaced by A.
Protein change: p.Val171Ile; replaces valine 171 with isoleucine.
Molecular consequence: missense variant. On other transcripts: non-coding transcript variant (1).
Genome position (GRCh38, 1-based): chr8:93,765,410, G>A. VCF-style: chr8-93765410-G-A. GRCh37 (hg19) VCF-style: chr8-94777638-G-A.
Other names: c.268G>A, p.Val90Ile (NM_001142301.1); short protein forms V171I, V90I.
Identifiers: ClinVar variation 461771 (VCV000461771.56), dbSNP rs200329273, ClinGen allele CA4807691.
Genomic context (GRCh38, chr8:93,765,410, plus strand): 5'-TTAGGTTTAGTATAATTTATTAACATTTTTAAAATTATTTTTGTTATATTGAACAGGTGC[G>A]TCCGATGTGAGCCAACATTTGTTAATACCAGCAGGTCCTGTGCATGTTCAGAACCTAACA-3'
Protein context (NP_714915.3, residues 161-181): MVVNALGDRC[Val171Ile]RCEPTFVNTS